The following is an entry in ClinVar:

NM_001148.6(ANK2):c.7979T>A (p.Val2660Glu)

Genes: ANK2 (ankyrin 2; plus strand), LOC126807137 (CDK7 strongly-dependent group 2 enhancer GRCh37_chr4:114276560-114277759; plus strand). Cytogenetic location: 4q26.
Variant type: single nucleotide variant.
Coding change: c.7979T>A on transcript NM_001148.6 (MANE Select); coding-DNA position 7979, T replaced by A.
Protein change: p.Val2660Glu; replaces valine 2660 with glutamic acid.
Molecular consequence: missense variant. On other transcripts: intron variant (68).
Genome position (GRCh38, 1-based): chr4:113,356,597, T>A. VCF-style: chr4-113356597-T-A. GRCh37 (hg19) VCF-style: chr4-114277753-T-A.
Other names: c.4412-4226T>A (NM_001386148.2, NM_001386186.2); c.4214-4226T>A (NM_001354269.3); c.4292-4226T>A (NM_001386187.2); c.4253-4226T>A (NM_001386147.1); c.8096T>A, p.Val2699Glu (NM_001386175.1); c.4271-4226T>A (NM_001386160.1); c.4376-4226T>A (NM_001354254.2); c.4397-4226T>A (NM_001354239.2, NM_001354252.2); and 35 more; short protein forms V1460E, V2582E, V2660E, V2699E, V2707E.
Identifiers: ClinVar variation 3613662 (VCV003613662.2).

ClinVar aggregate classification (germline): Uncertain significance (1 of 4 stars; one submission).

Conditions:
Long QT syndrome (LQTS). Identifiers: MedGen C0023976, MeSH D008133, MONDO:0002442. Disease mechanism: loss of function. Inheritance: Various modes of inheritance.

gnomAD v4.1: 5 of 1,614,010 alleles (0.00031%); highest among the groups gnomAD compares: Non-Finnish European, 0.00042%; no homozygotes.

Submission:

Labcorp Genetics (formerly Invitae), Labcorp
Classification: Uncertain significance for Long QT syndrome. Last evaluated: 2024-08-08. Review status: criteria provided, single submitter. Criteria: Invitae Variant Classification Sherloc (09022015). Collection method: clinical testing. Allele origin: germline.
Comment: This sequence change replaces valine, which is neutral and non-polar, with glutamic acid, which is acidic and polar, at codon 2660 of the ANK2 protein (p.Val2660Glu). This variant is not present in population databases (gnomAD no frequency). This missense change has been observed in individual(s) with catecholaminergic polymorphic ventricular tachycardia (PMID: 30847666). An algorithm developed to predict the effect of missense changes on protein structure and function (PolyPhen-2) suggests that this variant is likely to be tolerated. In summary, the available evidence is currently insufficient to determine the role of this variant in disease. Therefore, it has been classified as a Variant of Uncertain Significance.

Literature cited by the submitters: PubMed 30847666.